The following is an entry in ClinVar:

ClinVar aggregate classification (germline): Pathogenic. Review status: criteria provided, multiple submitters, no conflicts (2 of 4 stars). 17 submissions from 16 submitters: Pathogenic (15). 2 of the submissions do not count toward it. Last evaluated 2025-04-29.

Conditions:
MEN1-related disorder. Also called: MEN1-related condition.
Hereditary cancer-predisposing syndrome. Also called: Tumor predisposition; Hereditary Cancer Syndrome; Neoplastic Syndromes, Hereditary; Hereditary neoplastic syndrome. Identifiers: Orphanet 140162, MedGen C0027672, MeSH D009386, MONDO:0015356.
Multiple endocrine neoplasia, type 1 (MEN1). Also called: MEA I; MEN I; WERMER SYNDROME; Endocrine adenomatosis multiple; MEN 1. Identifiers: Orphanet 652, MedGen C0025267, MeSH D018761, MONDO:0007540, OMIM 131100.
Lung carcinoid tumor. Also called: Pulmonary carcinoid tumor; Carcinoid tumor of lung. Identifiers: MedGen C0280089, MONDO:0006041, HP:0030445.

Submissions 1 to 8 of 17:

Labcorp Genetics (formerly Invitae), Labcorp
Classification: Pathogenic for Multiple endocrine neoplasia, type 1. Last evaluated: 2025-04-29. Review status: criteria provided, single submitter. Criteria: Invitae Variant Classification Sherloc (09022015). Collection method: clinical testing. Allele origin: germline.
Comment: This sequence change creates a premature translational stop signal (p.Arg516Profs*15) in the MEN1 gene. While this is not anticipated to result in nonsense mediated decay, it is expected to disrupt the last 95 amino acid(s) of the MEN1 protein. The frequency data for this variant in the population databases is considered unreliable, as metrics indicate poor data quality at this position in the gnomAD database. This premature translational stop signal has been observed in individual(s) with multiple endocrine neoplasia type 1 (PMID: 9215689, 15635078, 21340156, 22470073, 24915123, 25291050). In at least one individual the variant was observed to be de novo. It has also been observed to segregate with disease in related individuals. Invitae Evidence Modeling of clinical and family history, age, sex, and reported ancestry of multiple individuals with this MEN1 variant has been performed. This variant is expected to be pathogenic with a positive predictive value of at least 99%. This is a validated machine learning model that incorporates the clinical features of 1,366,787 individuals referred to our laboratory for MEN1 testing. This variant is also known as c.1650insC, c.1561dup (p.Arg521fs), c.1561dupC, and c.1546dupC.. ClinVar contains an entry for this variant (Variation ID: 279852). This variant disrupts a region of the MEN1 protein in which other variant(s) (p.Arg516Glyfs*43) have been determined to be pathogenic (PMID: 9215689, 12112656, 12213668, 15670192, 17065424, 17853334, 23321498). This suggests that this is a clinically significant region of the protein, and that variants that disrupt it are likely to be disease-causing. For these reasons, this variant has been classified as Pathogenic.

Center for Genomic Medicine, Rigshospitalet, Copenhagen University Hospital
Classification: Pathogenic. Last evaluated: 2025-03-04. Review status: criteria provided, single submitter. Criteria: ACMG Guidelines, 2015. Collection method: clinical testing. Allele origin: germline.

Department of Pathology and Laboratory Medicine, Sinai Health System
Classification: Pathogenic for multiple endocrine neoplasia type 1. Last evaluated: 2024-10-01. Review status: criteria provided, single submitter. Criteria: ACMG Guidelines, 2015. Collection method: clinical testing. Allele origin: germline.

Blueprint Genetics
Classification: Pathogenic for MEN1-related disorders. Last evaluated: 2024-05-15. Review status: criteria provided, single submitter. Criteria: ACMG Guidelines, 2015. Collection method: clinical testing. Allele origin: germline. Affected: yes. Observed: 5 variant alleles.

Genetic Services Laboratory, University of Chicago
Classification: Pathogenic. Last evaluated: 2024-04-03. Review status: criteria provided, single submitter. Criteria: ACMG Guidelines, 2015. Collection method: clinical testing. Allele origin: germline. Affected: yes.
Comment: DNA sequence analysis of the MEN1 gene demonstrated a single base pair deletion in exon 10, c.1546dup. This sequence change results in an amino acid frameshift and creates a premature stop codon 15 amino acids downstream of the change, p.Arg516Profs*15. This sequence change is predicted to result in an abnormal transcript, which may be degraded, or may lead to the production of a truncated MEN1 protein with potentially abnormal function. This sequence change has been described in the gnomAD database with a frequency of 0.0009% in the overall population (dbSNP rs767319284). This pathogenic sequence change has previously been described in several individuals with MEN1-related disorders (PMID: 25291050, 30339208, 30324798). This variant was identified in the apparent de novo state in at least two of these affected individuals (PMID: 30324798, 25291050). Collectively, this evidence indicates that this sequence change is pathogenic, however functional studies have not been performed to prove this conclusively.

Athena Diagnostics
Classification: Pathogenic. Last evaluated: 2024-01-17. Review status: criteria provided, single submitter. Criteria: Athena Diagnostics Criteria. Collection method: clinical testing. Allele origin: unknown.
Comment: This variant is expected to result in the loss of a functional protein. The frequency of this variant in the general population is consistent with pathogenicity. This variant has been identified in multiple unrelated individuals with clinical features associated with this gene. Assessment of experimental evidence suggests this variant results in abnormal protein function. (PMID: 10595737)

Quest Diagnostics Nichols Institute San Juan Capistrano
Classification: Pathogenic. Last evaluated: 2023-11-18. Review status: criteria provided, single submitter. Criteria: Quest Diagnostics criteria. Collection method: clinical testing. Allele origin: unknown.
Comment: This frameshift variant alters the translational reading frame of the MEN1 mRNA and causes the premature termination of MEN1 protein synthesis. In the published literature, the variant has been reported in affected individuals with multiple endocrine neoplasia type 1 in the published literature (PMIDs: 9215689 (1997), 12112656 (2002), 15670192 (2005), 17853334 (2007), 31482957 (2019), and 32909176 (2021)). Based on the available information, this variant is classified as pathogenic.

All of Us Research Program, National Institutes of Health
Classification: Pathogenic for Multiple endocrine neoplasia, type 1. Last evaluated: 2023-06-26. Review status: criteria provided, single submitter. Criteria: ACMG Guidelines, 2015. Collection method: clinical testing. Allele origin: germline. Inheritance: Autosomal dominant inheritance. Observed: 1 variant allele, 1 heterozygote.
Comment: This variant inserts 1 nucleotide in exon 10 of the MEN1 gene, creating a frameshift and premature translation stop signal. This variant is also known as 1650insC, 1657insC, and c.1546_1547insC in the literature. While this variant is not expected to trigger nonsense-mediated decay, the truncated protein is expected to disrupt that C-terminus that interacts with different proteins and also contain a nuclear localization domain (PMID: 17879353). Similar truncation variants have been reported as disease-causing in ClinVar, suggesting that the C-terminus of MEN1 is important for function (variation ID: 201002, 200986, 200999, 988375, 988490, 988531). This variant is a common variant and has been proposed to be a mutation hotspot because it has been reported in dozens of individuals and families affected with MEN1 from different populations worldwide (PMID: 9215689, 9463336, 11579199, 11303512, 12112656, 15240620, 15635078, 17853334, 17623761, 17879353, 20833329, 32299109, 34160414, 35696052). This variant has not been identified in the general population by the Genome Aggregation Database (gnomAD). Loss of MEN1 function is a known mechanism of disease. Based on the available evidence, this variant is classified as Pathogenic.

This study involves interpretation of variants in research participants for the purpose of population health screening. Participant phenotype was not available at the time of variant classification. Additional details can be found in publication PMID: 35346344, PMCID: PMC8962531

NM_001370259.2(MEN1):c.1546dup (p.Arg516fs)

Gene: MEN1 (menin 1; minus strand). Cytogenetic location: 11q13.1.
Variant type: Duplication.
Coding change: c.1546dup on transcript NM_001370259.2 (MANE Select); coding-DNA position 1546, one base duplicated (C; older notation c.1546dupC).
Protein change: p.Arg516fs; shifts the reading frame from arginine 516.
Molecular consequence: frameshift variant.
Genome position (GRCh38, 1-based): chr11:64,804,621, G duplicated on the plus strand (C on the coding strand, the reverse complement: MEN1 is on the minus strand); the first of 7 consecutive G bases (chr11:64,804,621-64,804,627); duplicating any one gives the same sequence. VCF-style (leftmost placement, unchanged base first): chr11-64804620-C-CG. GRCh37 (hg19) VCF-style: chr11-64572092-C-CG.
Other names: 1657insC; c.1546dupC (NM_130799.2, NM_130799.3); c.1561dup, p.Arg521fs (NM_000244.4, NM_130800.3, NM_130801.3 and 3 more transcripts); c.1672dup, p.Arg558fs (NM_001370251.2); c.1546dup, p.Arg516fs (NM_001370260.2, NM_001370261.2, NM_130799.3); c.1441dup, p.Arg481fs (NM_001370262.2, NM_001370263.2); short protein forms R481fs, R521fs, R558fs, R516fs.
Identifiers: ClinVar variation 279852 (VCV000279852.73), dbSNP rs767319284, ClinGen allele CA6082217.
Genomic context (GRCh38, chr11:64,804,620, plus strand): 5'-TGAGCCGTGCTGCCACCTTCAGGGCCTCGGGCTGTGCCAGCGACAGTCCCAGGAGGCTTC[C>CG]GGGGGGGTCCTGACACTGCACCCTGGCCGGTGCCCAGGCCCTTGTCCAGTGCTGGCTTCT-3'